The following is an entry in ClinVar:

NM_000552.5(VWF):c.6923A>G (p.Glu2308Gly)

Gene: VWF (von Willebrand factor; minus strand). Cytogenetic location: 12p13.31.
Variant type: single nucleotide variant.
Coding change: c.6923A>G on transcript NM_000552.5 (MANE Select); coding-DNA position 6923, A replaced by G.
Protein change: p.Glu2308Gly; replaces glutamic acid 2308 with glycine.
Molecular consequence: missense variant.
Genome position (GRCh38, 1-based): chr12:5,985,098, T>C on the plus strand (A>G on the coding strand, the complement: VWF is on the minus strand). VCF-style: chr12-5985098-T-C. GRCh37 (hg19) VCF-style: chr12-6094264-T-C.
Other names: c.6923A>G (NM_000552.3); short protein forms E2308G.
Identifiers: ClinVar variation 3233731 (VCV003233731.4), dbSNP rs748199105, ClinGen allele CA6401842.

ClinVar aggregate classification (germline): Uncertain significance. Review status: criteria provided, multiple submitters, no conflicts (2 of 4 stars). 2 submissions from 2 submitters: Uncertain significance (2). Last evaluated 2025-05-23.

Conditions:
Inborn genetic diseases. Identifiers: MedGen C0950123, MeSH D030342.

Allele frequency attached by ClinVar (database versions not stated): gnomAD exomes below 0.00001; ExAC 0.00001; gnomAD 0.00001; TOPMed 0.00004.
gnomAD v4.1: 4 of 1,614,006 alleles (0.00025%); highest among the groups gnomAD compares: Admixed American, 0.0033%; no homozygotes.

Submissions (2):

Women's Health and Genetics/Laboratory Corporation of America, LabCorp
Classification: Uncertain significance. Last evaluated: 2025-05-23. Review status: criteria provided, single submitter. Criteria: LabCorp Variant Classification Summary - May 2015. Collection method: clinical testing. Allele origin: germline.
Comment: Variant summary: VWF c.6923A>G (p.Glu2308Gly) results in a non-conservative amino acid change located in the VWFC domain (IPR001007) of the encoded protein sequence. Algorithms developed to predict the effect of missense changes on protein structure and function are either unavailable or do not agree on the potential impact of this missense change. The variant allele was found at a frequency of 4e-06 in 251482 control chromosomes. The available data on variant occurrences in the general population are insufficient to allow any conclusion about variant significance. To our knowledge, no occurrence of c.6923A>G in individuals affected with Von Willebrand Disease and no experimental evidence demonstrating its impact on protein function have been reported. ClinVar contains an entry for this variant (Variation ID: 3233731). Based on the evidence outlined above, the variant was classified as uncertain significance.

Ambry Genetics
Classification: Uncertain significance for Inborn genetic diseases. Last evaluated: 2024-03-15. Review status: criteria provided, single submitter. Criteria: Ambry Variant Classification Scheme 2023. Collection method: clinical testing. Allele origin: germline.